The following is an entry in ClinVar:

NM_024642.5(GALNT12):c.700C>T (p.His234Tyr)

Gene: GALNT12 (polypeptide N-acetylgalactosaminyltransferase 12; plus strand). Cytogenetic location: 9q22.33.
Variant type: single nucleotide variant.
Coding change: c.700C>T on transcript NM_024642.5 (MANE Select); coding-DNA position 700, C replaced by T.
Protein change: p.His234Tyr; replaces histidine 234 with tyrosine.
Molecular consequence: missense variant.
Genome position (GRCh38, 1-based): chr9:98,826,910, C>T. VCF-style: chr9-98826910-C-T. GRCh37 (hg19) VCF-style: chr9-101589192-C-T.
Other names: short protein forms H234Y.
Identifiers: ClinVar variation 4027986 (VCV004027986.1).

ClinVar aggregate classification (germline): Uncertain significance (1 of 4 stars; one submission).

Submission:

Ambry Genetics
Classification: Uncertain significance. Last evaluated: 2025-04-07. Review status: criteria provided, single submitter. Criteria: Ambry Variant Classification Scheme 2023. Collection method: clinical testing. Allele origin: germline.
Comment: The p.H234Y variant (also known as c.700C>T), located in coding exon 3 of the GALNT12 gene, results from a C to T substitution at nucleotide position 700. The histidine at codon 234 is replaced by tyrosine, an amino acid with similar properties. This amino acid position is conserved. In addition, the in silico prediction for this alteration is inconclusive. Based on the available evidence, the clinical significance of this variant remains unclear.